The following is an entry in ClinVar:

ClinVar aggregate classification (germline): Uncertain significance (1 of 4 stars; one submission).

Conditions:
Mowat-Wilson syndrome (MOWS). Also called: Classic Mowat-Wilson Syndrome. Identifiers: Orphanet 2152, MedGen C1856113, MONDO:0009341, OMIM 235730.

Submission:

Labcorp Genetics (formerly Invitae), Labcorp
Classification: Uncertain significance for Mowat-Wilson syndrome. Last evaluated: 2024-05-09. Review status: criteria provided, single submitter. Criteria: Invitae Variant Classification Sherloc (09022015). Collection method: clinical testing. Allele origin: germline.
Comment: This sequence change replaces threonine, which is neutral and polar, with alanine, which is neutral and non-polar, at codon 802 of the ZEB2 protein (p.Thr802Ala). This variant is not present in population databases (gnomAD no frequency). This variant has not been reported in the literature in individuals affected with ZEB2-related conditions. Advanced modeling of protein sequence and biophysical properties (such as structural, functional, and spatial information, amino acid conservation, physicochemical variation, residue mobility, and thermodynamic stability) performed at Invitae indicates that this missense variant is not expected to disrupt ZEB2 protein function with a negative predictive value of 80%. In summary, the available evidence is currently insufficient to determine the role of this variant in disease. Therefore, it has been classified as a Variant of Uncertain Significance.

NM_014795.4(ZEB2):c.2404A>G (p.Thr802Ala)

Gene: ZEB2 (zinc finger E-box binding homeobox 2; minus strand). Cytogenetic location: 2q22.3.
Variant type: single nucleotide variant.
Coding change: c.2404A>G on transcript NM_014795.4 (MANE Select); coding-DNA position 2404, A replaced by G.
Protein change: p.Thr802Ala; replaces threonine 802 with alanine.
Molecular consequence: missense variant.
Genome position (GRCh38, 1-based): chr2:144,398,783, T>C on the plus strand (A>G on the coding strand, the complement: ZEB2 is on the minus strand). VCF-style: chr2-144398783-T-C. GRCh37 (hg19) VCF-style: chr2-145156350-T-C.
Other names: c.2332A>G, p.Thr778Ala (NM_001171653.2); short protein forms T802A, T778A.
Identifiers: ClinVar variation 3672892 (VCV003672892.2).